The following is an entry in ClinVar:

ClinVar aggregate classification (germline): Uncertain significance (1 of 4 stars; one submission).

Conditions:
Hereditary cancer-predisposing syndrome. Also called: Neoplastic Syndromes, Hereditary; Tumor predisposition; Hereditary Cancer Syndrome; Hereditary neoplastic syndrome. Identifiers: Orphanet 140162, MedGen C0027672, MeSH D009386, MONDO:0015356.

Submission:

Ambry Genetics
Classification: Uncertain significance for Hereditary cancer-predisposing syndrome. Last evaluated: 2026-03-31. Review status: criteria provided, single submitter. Criteria: Ambry Variant Classification Scheme 2023. Collection method: clinical testing. Allele origin: germline.
Comment: The c.5432_5434delACA variant (also known as p.N1811del) is located in coding exon 40 of the POLE gene. This variant results from an in-frame ACA deletion at nucleotide positions 5432 to 5434. This results in the in-frame deletion of an asparagine at codon 1811. This amino acid region is highly conserved in available vertebrate species. In addition, this variant is predicted to be deleterious by in silico analysis (Choi Y et al. PLoS ONE. 2012; 7(10):e46688). Based on the available evidence, the clinical significance of this variant remains unclear.

NM_006231.4(POLE):c.5429ACA[1] (p.Asn1811del)

Gene: POLE (DNA polymerase epsilon, catalytic subunit; minus strand). Cytogenetic location: 12q24.33.
Variant type: Microsatellite.
Coding change: c.5429ACA[1] on transcript NM_006231.4 (MANE Select); one copy of the 3-base unit ACA starting at c.5429; the reference has two copies in a row; one copy, 3 bases deleted.
Protein change: p.Asn1811del; deletes asparagine 1811.
Molecular consequence: inframe deletion.
Genome position (GRCh38, 1-based): chr12:132,639,243-132,639,245, TGT deleted on the plus strand (ACA on the coding strand, the reverse complement: POLE is on the minus strand); deleting any 3 consecutive bases within chr12:132,639,243-132,639,248 gives the same sequence; the position shown is the placement nearest the transcript's 3' end. VCF-style (leftmost placement, unchanged base first): chr12-132639242-ATGT-A. GRCh37 (hg19) VCF-style: chr12-133215828-ATGT-A.
Other names: short protein forms N1811del.
Identifiers: ClinVar variation 4862235 (VCV004862235.1).